The following is an entry in ClinVar:

NM_001083962.2(TCF4):c.3G>A (p.Met1Ile)

Gene: TCF4 (transcription factor 4; minus strand). Cytogenetic location: 18q21.2.
Variant type: single nucleotide variant.
Coding change: c.3G>A on transcript NM_001083962.2 (MANE Select); coding-DNA position 3, G replaced by A.
Protein change: p.Met1Ile; changes the start codon (methionine 1).
Molecular consequence: missense variant, initiator codon variant. On other transcripts: intron variant (12).
Genome position (GRCh38, 1-based): chr18:55,587,114, C>T on the plus strand (G>A on the coding strand, the complement: TCF4 is on the minus strand). VCF-style: chr18-55587114-C-T. GRCh37 (hg19) VCF-style: chr18-53254345-C-T.
Other names: c.309G>A, p.Met103Ile (NM_001243226.3); c.3G>A, p.Met1Ile (NM_001243228.2, NM_001330604.3, NM_001369567.1 and 8 more transcripts); c.1-1762G>A (NM_001369584.1, NM_001369576.1, NM_001369577.1 and 3 more transcripts); c.66+1356G>A (NM_001243230.2); c.-1+924G>A (NM_001369585.1, NM_001369578.1, NM_001369579.1 and 2 more transcripts); short protein forms M103I, M1I.
Identifiers: ClinVar variation 3777367 (VCV003777367.1).
Genomic context (GRCh38, chr18:55,587,114, plus strand): 5'-ATCCAGTAAATCACTCAGCTCTTTGTCCGTCCCTAAGGCAGCCATTCGCTGTTGGTGATG[C>T]ATTTTAGCAAAATCACACAAACCTAGAAACATGGAAATAACCGCAATCAGAAAATCCAGT-3'
Protein context (NP_001077431.1, residues 1-11): [Met1Ile]HHQQRMAALG

ClinVar aggregate classification (germline): Uncertain significance (1 of 4 stars; one submission).

Submission:

GeneDx
Classification: Uncertain significance. Last evaluated: 2024-10-11. Review status: criteria provided, single submitter. Criteria: GeneDx Variant Classification Process June 2021. Collection method: clinical testing. Allele origin: germline. Affected: yes.
Comment: Not observed at significant frequency in large population cohorts (gnomAD); Initiation codon variant in a gene for which loss of function is a known mechanism of disease, however alternative Methionines exists downstream; Has not been previously published as pathogenic or benign to our knowledge